The following is an entry in ClinVar:

ClinVar aggregate classification (germline): Conflicting classifications of pathogenicity. Review status: criteria provided, conflicting classifications (1 of 4 stars). 5 submissions from 5 submitters: Uncertain significance (2); Benign (1); Likely benign (2). Last evaluated 2026-07-16.

Conditions:
Fraser syndrome 1 (FRASRS1). Also called: CRYPTOPHTHALMOS WITH OTHER MALFORMATIONS. Identifiers: Orphanet 2052, MedGen C4551480, MONDO:0054737, OMIM 219000.
FRAS1-related disorder. Also called: FRAS1-related condition.

Allele frequency attached by ClinVar (database versions not stated): gnomAD 0.00009 and 0.00013; TOPMed 0.00011; gnomAD exomes 0.00012 and 0.00023; ESP Exome Variant Server 0.00016; ExAC 0.00022; 1000 Genomes Project 30x 0.00062; 1000 Genomes Project 0.00080.
gnomAD v4.1: 203 of 1,613,692 alleles (0.013%); highest among the groups gnomAD compares: South Asian, 0.087%; no homozygotes.

Submissions (5):

PreventionGenetics, part of Exact Sciences
Classification: Likely benign for FRAS1-related condition. Last evaluated: 2026-07-16. Review status: criteria provided, single submitter. Criteria: ACMG Guidelines, 2015. Collection method: clinical testing. Allele origin: germline.
Comment: This variant is classified as likely benign based on ACMG/AMP sequence variant interpretation guidelines (Richards et al. 2015 PMID: 25741868, with internal and published modifications).

Labcorp Genetics (formerly Invitae), Labcorp
Classification: Benign. Last evaluated: 2026-01-25. Review status: criteria provided, single submitter. Criteria: Invitae Variant Classification Sherloc (09022015). Collection method: clinical testing. Allele origin: germline.

CeGaT Center for Human Genetics Tuebingen
Classification: Likely benign. Last evaluated: 2023-09-01. Review status: criteria provided, single submitter. Criteria: CeGaT Center For Human Genetics Tuebingen Variant Classification Criteria Version 2. Collection method: clinical testing. Allele origin: germline. Affected: yes. Observed: 1 variant allele.
Comment: FRAS1: BP4

Revvity Omics, Revvity
Classification: Uncertain significance for Fraser syndrome 1. Last evaluated: 2019-05-15. Review status: criteria provided, single submitter. Criteria: ACMG Guidelines, 2015. Collection method: clinical testing. Allele origin: germline.

Illumina Laboratory Services, Illumina
Classification: Uncertain significance for Fraser syndrome 1. Last evaluated: 2018-01-13. Review status: criteria provided, single submitter. Criteria: ICSL Variant Classification Criteria 13 December 2019. Collection method: clinical testing. Allele origin: germline.

NM_025074.7(FRAS1):c.2835G>A (p.Gln945=)

Gene: FRAS1 (Fraser extracellular matrix complex subunit 1; plus strand). Cytogenetic location: 4q21.21.
Variant type: single nucleotide variant.
Coding change: c.2835G>A on transcript NM_025074.7 (MANE Select); coding-DNA position 2835, G replaced by A.
Protein change: p.Gln945=; no amino-acid change (glutamine 945 retained).
Molecular consequence: synonymous variant.
Genome position (GRCh38, 1-based): chr4:78,369,950, G>A. VCF-style: chr4-78369950-G-A. GRCh37 (hg19) VCF-style: chr4-79291104-G-A.
Other names: c.2835G>A, p.Gln945= (NM_001166133.2).
Identifiers: ClinVar variation 727672 (VCV000727672.37), dbSNP rs137923783, ClinGen allele CA2976749.